The following is an entry in ClinVar:

ClinVar aggregate classification (germline): Uncertain significance. Review status: criteria provided, multiple submitters, no conflicts (2 of 4 stars). 3 submissions from 3 submitters: Uncertain significance (3). Last evaluated 2026-01-12.

Conditions:
Charcot-Marie-Tooth disease type 2. Also called: Charcot-Marie-Tooth type 2. Identifiers: Orphanet 64746, MedGen C0270914, MONDO:0018993.
Charcot-Marie-Tooth disease axonal type 2N (CMT2N). Also called: Charcot-Marie-Tooth Neuropathy Type 2N; CHARCOT-MARIE-TOOTH DISEASE, AXONAL, AUTOSOMAL DOMINANT, TYPE 2N; CHARCOT-MARIE-TOOTH NEUROPATHY, AXONAL, TYPE 2N. Identifiers: Orphanet 228174, MedGen C2750090, MONDO:0013212, OMIM 613287.

Allele frequency attached by ClinVar (database versions not stated): gnomAD exomes 0.00001; TOPMed 0.00001; ExAC 0.00002; ESP Exome Variant Server 0.00008.
gnomAD v4.1: 11 of 1,614,186 alleles (0.00068%); highest among the groups gnomAD compares: African/African-American, 0.0013%; no homozygotes.

Submissions (3):

Labcorp Genetics (formerly Invitae), Labcorp
Classification: Uncertain significance for Charcot-Marie-Tooth disease type 2. Last evaluated: 2026-01-12. Review status: criteria provided, single submitter. Criteria: Invitae Variant Classification Sherloc (09022015). Collection method: clinical testing. Allele origin: germline.
Comment: This sequence change replaces isoleucine, which is neutral and non-polar, with valine, which is neutral and non-polar, at codon 374 of the AARS protein (p.Ile374Val). This variant is present in population databases (rs142128800, gnomAD 0.003%). This missense change has been observed in individual(s) with clinical features of AARS-related features (internal data). ClinVar contains an entry for this variant (Variation ID: 320345). Invitae Evidence Modeling of protein sequence and biophysical properties (such as structural, functional, and spatial information, amino acid conservation, physicochemical variation, residue mobility, and thermodynamic stability) indicates that this missense variant is not expected to disrupt AARS protein function with a negative predictive value of 95%. In summary, the available evidence is currently insufficient to determine the role of this variant in disease. Therefore, it has been classified as a Variant of Uncertain Significance.

CeGaT Center for Human Genetics Tuebingen
Classification: Uncertain significance. Last evaluated: 2022-07-01. Review status: criteria provided, single submitter. Criteria: CeGaT Center For Human Genetics Tuebingen Variant Classification Criteria Version 2. Collection method: clinical testing. Allele origin: germline. Affected: yes. Observed: 1 variant allele.
Comment: AARS1: PM2

Illumina Laboratory Services, Illumina
Classification: Uncertain significance for Charcot-Marie-Tooth disease axonal type 2N. Last evaluated: 2018-01-12. Review status: criteria provided, single submitter. Criteria: ICSL Variant Classification Criteria 13 December 2019. Collection method: clinical testing. Allele origin: germline.

NM_001605.3(AARS1):c.1120A>G (p.Ile374Val)

Gene: AARS1 (alanyl-tRNA synthetase 1; minus strand). Cytogenetic location: 16q22.1.
Variant type: single nucleotide variant.
Coding change: c.1120A>G on transcript NM_001605.3 (MANE Select); coding-DNA position 1120, A replaced by G.
Protein change: p.Ile374Val; replaces isoleucine 374 with valine.
Molecular consequence: missense variant.
Genome position (GRCh38, 1-based): chr16:70,267,761, T>C on the plus strand (A>G on the coding strand, the complement: AARS1 is on the minus strand). VCF-style: chr16-70267761-T-C. GRCh37 (hg19) VCF-style: chr16-70301664-T-C.
Other names: short protein forms I374V.
Identifiers: ClinVar variation 320345 (VCV000320345.36), dbSNP rs142128800, ClinGen allele CA8140913.